The following is an entry in ClinVar:

ClinVar aggregate classification (germline): Uncertain significance (1 of 4 stars; one submission).

Conditions:
Duchenne muscular dystrophy (DMD). Also called: Duchenne Muscular Dystrophy (DMD); MUSCULAR DYSTROPHY, PSEUDOHYPERTROPHIC PROGRESSIVE, DUCHENNE TYPE. Identifiers: Orphanet 98896, MedGen C0013264, MONDO:0010679, OMIM 310200.

Submission:

Labcorp Genetics (formerly Invitae), Labcorp
Classification: Uncertain significance for Duchenne muscular dystrophy. Last evaluated: 2025-10-07. Review status: criteria provided, single submitter. Criteria: Invitae Variant Classification Sherloc (09022015). Collection method: clinical testing. Allele origin: germline.
Comment: This sequence change replaces lysine, which is basic and polar, with asparagine, which is neutral and polar, at codon 1645 of the DMD protein (p.Lys1645Asn). This variant is not present in population databases (gnomAD no frequency). This variant has not been reported in the literature in individuals affected with DMD-related conditions. Invitae Evidence Modeling of protein sequence and biophysical properties (such as structural, functional, and spatial information, amino acid conservation, physicochemical variation, residue mobility, and thermodynamic stability) indicates that this missense variant is not expected to disrupt DMD protein function with a negative predictive value of 95%. In summary, the available evidence is currently insufficient to determine the role of this variant in disease. Therefore, it has been classified as a Variant of Uncertain Significance.

NM_004006.3(DMD):c.4935G>T (p.Lys1645Asn)

Gene: DMD (dystrophin; minus strand). Cytogenetic location: Xp21.1.
Variant type: single nucleotide variant.
Coding change: c.4935G>T on transcript NM_004006.3 (MANE Select); coding-DNA position 4935, G replaced by T.
Protein change: p.Lys1645Asn; replaces lysine 1645 with asparagine.
Molecular consequence: missense variant.
Genome position (GRCh38, 1-based): chrX:32,365,110, C>A on the plus strand (G>T on the coding strand, the complement: DMD is on the minus strand). VCF-style: chrX-32365110-C-A. GRCh37 (hg19) VCF-style: chrX-32383227-C-A.
Other names: c.4911G>T, p.Lys1637Asn (NM_000109.4); c.4923G>T, p.Lys1641Asn (NM_004009.3); c.4566G>T, p.Lys1522Asn (NM_004010.3); c.912G>T, p.Lys304Asn (NM_004011.4); c.903G>T, p.Lys301Asn (NM_004012.4); short protein forms K1522N, K1637N, K1641N, K1645N, K301N, K304N.
Identifiers: ClinVar variation 4800962 (VCV004800962.1).